The following is an entry in ClinVar:

ClinVar aggregate classification (germline): Uncertain significance (1 of 4 stars; one submission).

Submission:

Ambry Genetics
Classification: Uncertain significance. Last evaluated: 2024-03-13. Review status: criteria provided, single submitter. Criteria: Ambry Variant Classification Scheme 2023. Collection method: clinical testing. Allele origin: germline.
Comment: The p.P761S variant (also known as c.2281C>T), located in coding exon 4 of the ALPK2 gene, results from a C to T substitution at nucleotide position 2281. The proline at codon 761 is replaced by serine, an amino acid with similar properties. This amino acid position is conserved. In addition, this alteration is predicted to be tolerated by in silico analysis. Based on the available evidence, the clinical significance of this alteration remains unclear.

NM_052947.4(ALPK2):c.2281C>T (p.Pro761Ser)

Gene: ALPK2 (alpha kinase 2; minus strand). Cytogenetic location: 18q21.31.
Variant type: single nucleotide variant.
Coding change: c.2281C>T on transcript NM_052947.4 (MANE Select); coding-DNA position 2281, C replaced by T.
Protein change: p.Pro761Ser; replaces proline 761 with serine.
Molecular consequence: missense variant.
Genome position (GRCh38, 1-based): chr18:58,537,906, G>A on the plus strand (C>T on the coding strand, the complement: ALPK2 is on the minus strand). VCF-style: chr18-58537906-G-A. GRCh37 (hg19) VCF-style: chr18-56205138-G-A.
Other names: short protein forms P761S.
Identifiers: ClinVar variation 3228623 (VCV003228623.1), dbSNP rs2051663085, ClinGen allele CA402571098.
Genomic context (GRCh38, chr18:58,537,906, plus strand): 5'-GTTCAGGGGAAGCAACAGAGACAGCCACAGGCTCCCTGAAGTCAGCACGAGCATCCTTGG[G>A]GAGATGCCTTGAGAACACACCTGGGGACATAGTCTCATCATTGGCTTCTGAGATGCTCTG-3'
Protein context (NP_443179.3, residues 751-771): MSPGVFSRHL[Pro761Ser]KDARADFREP